The following is an entry in ClinVar:

NM_033031.3(CCNB3):c.3235G>C (p.Val1079Leu)

Gene: CCNB3 (cyclin B3; plus strand). Cytogenetic location: Xp11.22.
Variant type: single nucleotide variant.
Coding change: c.3235G>C on transcript NM_033031.3 (MANE Select); coding-DNA position 3235, G replaced by C.
Protein change: p.Val1079Leu; replaces valine 1079 with leucine.
Molecular consequence: missense variant. On other transcripts: intron variant (1).
Genome position (GRCh38, 1-based): chrX:50,311,404, G>C. VCF-style: chrX-50311404-G-C. GRCh37 (hg19) VCF-style: chrX-50054404-G-C.
Other names: c.204+22517G>C (NM_033670.4); short protein forms V1079L.
Identifiers: ClinVar variation 2660548 (VCV002660548.24), dbSNP rs781908510, ClinGen allele CA413097763.

ClinVar aggregate classification (germline): Uncertain significance (1 of 4 stars; one submission).

gnomAD v4.1: 1 of 1,210,500 alleles (0.000083%); highest among the groups gnomAD compares: Non-Finnish European, 0.00011%; no homozygotes.

Submission:

CeGaT Center for Human Genetics Tuebingen
Classification: Uncertain significance. Last evaluated: 2023-08-01. Review status: criteria provided, single submitter. Criteria: CeGaT Center For Human Genetics Tuebingen Variant Classification Criteria Version 2. Collection method: clinical testing. Allele origin: germline. Affected: yes. Observed: 1 variant allele.
Comment: CCNB3: PM2:Supporting, BP4